The following is an entry in ClinVar:

NC_000019.9:g.(11315008_11319361)_(11326604_11327589)del

Gene: DOCK6 (dedicator of cytokinesis 6; minus strand). Cytogenetic location: 19p13.2.
Variant type: Deletion.
Identifiers: ClinVar variation 2429276 (VCV002429276.2).

ClinVar aggregate classification (germline): Likely pathogenic (1 of 4 stars; one submission).

Conditions:
Adams-Oliver syndrome 2 (AOS2). Identifiers: Orphanet 974, MedGen C3280182, MONDO:0013635, OMIM 614219.

Submission:

Women's Health and Genetics/Laboratory Corporation of America, LabCorp
Classification: Likely pathogenic for Adams-Oliver syndrome 2. Last evaluated: 2023-01-11. Review status: criteria provided, single submitter. Criteria: LabCorp Variant Classification Summary - May 2015. Collection method: clinical testing. Allele origin: germline.
Comment: Variant summary: The variant identified by MLPA or other technology involves the deletion of exons 31-39 in the DOCK6 gene. A presumed nomenclature of c.(3894+1_3895-1)_(5088+1_5089-1)del has been designated for the purposes of this classification. Although exact breakpoints of this deletion are not known, it is expected to result in a large in-frame deletion change in the DOCK6 gene, a known mechanism of disease. The variant was absent in 21692 control chromosomes. To our knowledge, no occurrence of c.(3894+1_3895-1)_(5088+1_5089-1)del in individuals affected with Adams-Oliver Syndrome 2 and no experimental evidence demonstrating its impact on protein function have been reported. No clinical diagnostic laboratories have submitted clinical-significance assessments for this variant to ClinVar after 2014. Based on the evidence outlined above, the variant was classified as likely pathogenic.